The following is an entry in ClinVar:

ClinVar aggregate classification (germline): Conflicting classifications of pathogenicity. Review status: criteria provided, conflicting classifications (1 of 4 stars). 3 submissions from 3 submitters: Uncertain significance (2); Benign (1). Last evaluated 2025-11-01.

Conditions:
Familial adenomatous polyposis 2. Also called: COLORECTAL ADENOMATOUS POLYPOSIS, AUTOSOMAL RECESSIVE; ADENOMAS, MULTIPLE COLORECTAL, AUTOSOMAL RECESSIVE; MUTYH-associated polyposis; MUTYH-related attenuated familial adenomatous polyposis; MUTYH Polyposis; Adenomas, multiple colorectal. Identifiers: Orphanet 220460, Orphanet 247798, MedGen C3272841, MONDO:0012041, OMIM 608456.
Hereditary cancer-predisposing syndrome. Also called: Neoplastic Syndromes, Hereditary; Hereditary Cancer Syndrome; Tumor predisposition; Hereditary neoplastic syndrome. Identifiers: Orphanet 140162, MedGen C0027672, MeSH D009386, MONDO:0015356.

Allele frequency attached by ClinVar (database versions not stated): gnomAD 0.00001.

Submissions (3):

Labcorp Genetics (formerly Invitae), Labcorp
Classification: Uncertain significance for Familial adenomatous polyposis 2. Last evaluated: 2025-11-01. Review status: criteria provided, single submitter. Criteria: Invitae Variant Classification Sherloc (09022015). Collection method: clinical testing. Allele origin: germline.
Comment: This sequence change replaces glutamine, which is neutral and polar, with lysine, which is basic and polar, at codon 260 of the MUTYH protein (p.Gln260Lys). This variant is not present in population databases (gnomAD no frequency). This variant has not been reported in the literature in individuals affected with MUTYH-related conditions. ClinVar contains an entry for this variant (Variation ID: 630383). An algorithm developed to predict the effect of missense changes on protein structure and function (PolyPhen-2) suggests that this variant is likely to be tolerated. In summary, the available evidence is currently insufficient to determine the role of this variant in disease. Therefore, it has been classified as a Variant of Uncertain Significance.

Ambry Genetics
Classification: Benign for Hereditary cancer-predisposing syndrome. Last evaluated: 2025-09-16. Review status: criteria provided, single submitter. Criteria: Ambry Variant Classification Scheme 2023. Collection method: clinical testing. Allele origin: germline.

Color Diagnostics, LLC DBA Color Health
Classification: Uncertain significance for Hereditary cancer-predisposing syndrome. Last evaluated: 2019-06-29. Review status: criteria provided, single submitter. Criteria: ACMG Guidelines, 2015. Collection method: clinical testing. Allele origin: germline.

NM_001048174.2(MUTYH):c.694C>A (p.Gln232Lys)

Gene: MUTYH (mutY DNA glycosylase; minus strand). Cytogenetic location: 1p34.1.
Variant type: single nucleotide variant.
Coding change: c.694C>A on transcript NM_001048174.2 (MANE Select); coding-DNA position 694, C replaced by A.
Protein change: p.Gln232Lys; replaces glutamine 232 with lysine.
Molecular consequence: missense variant. On other transcripts: non-coding transcript variant (2).
Genome position (GRCh38, 1-based): chr1:45,332,401, G>T on the plus strand (C>A on the coding strand, the complement: MUTYH is on the minus strand). VCF-style: chr1-45332401-G-T. GRCh37 (hg19) VCF-style: chr1-45798073-G-T.
Other names: c.694C>A, p.Gln232Lys (NM_001048171.2, NM_001048173.2, NM_001293195.2); c.697C>A, p.Gln233Lys (NM_001048172.2); c.778C>A, p.Gln260Lys (NM_001128425.2); c.739C>A, p.Gln247Lys (NM_001293190.2); c.727C>A, p.Gln243Lys (NM_001293191.2); c.418C>A, p.Gln140Lys (NM_001293192.2, NM_001293196.2); c.349C>A, p.Gln117Lys (NM_001350650.2, NM_001350651.2); c.769C>A, p.Gln257Lys (NM_012222.3); short protein forms Q260K, Q233K, Q117K, Q140K, Q232K, Q243K, Q247K, Q257K.
Identifiers: ClinVar variation 630383 (VCV000630383.11), dbSNP rs773087549, ClinGen allele CA340134769.